The following is an entry in ClinVar:

ClinVar aggregate classification (germline): Uncertain significance. Review status: criteria provided, multiple submitters, no conflicts (2 of 4 stars). 2 submissions from 2 submitters: Uncertain significance (2). Last evaluated 2024-12-29.

Conditions:
Inborn genetic diseases. Identifiers: MedGen C0950123, MeSH D030342.

gnomAD v4.1: 3 of 1,613,204 alleles (0.00019%); highest among the groups gnomAD compares: East Asian, 0.0067%; no homozygotes.

Submissions (2):

Labcorp Genetics (formerly Invitae), Labcorp
Classification: Uncertain significance. Last evaluated: 2024-12-29. Review status: criteria provided, single submitter. Criteria: Invitae Variant Classification Sherloc (09022015). Collection method: clinical testing. Allele origin: germline.
Comment: This sequence change replaces glutamine, which is neutral and polar, with glutamic acid, which is acidic and polar, at codon 440 of the INTU protein (p.Gln440Glu). This variant is present in population databases (rs781734332, gnomAD 0.02%). This variant has not been reported in the literature in individuals affected with INTU-related conditions. An algorithm developed to predict the effect of missense changes on protein structure and function outputs the following: PolyPhen-2: "Benign". The glutamic acid amino acid residue is found in multiple mammalian species, which suggests that this missense change does not adversely affect protein function. In summary, the available evidence is currently insufficient to determine the role of this variant in disease. Therefore, it has been classified as a Variant of Uncertain Significance.

Ambry Genetics
Classification: Uncertain significance for Inborn genetic diseases. Last evaluated: 2024-04-17. Review status: criteria provided, single submitter. Criteria: Ambry Variant Classification Scheme 2023. Collection method: clinical testing. Allele origin: germline.

NM_015693.4(INTU):c.1318C>G (p.Gln440Glu)

Genes: INTU (inturned planar cell polarity protein; plus strand), LOC126807151 (CDK7 strongly-dependent group 2 enhancer GRCh37_chr4:128607842-128609041; plus strand). Cytogenetic location: 4q28.1.
Variant type: single nucleotide variant.
Coding change: c.1318C>G on transcript NM_015693.4 (MANE Select); coding-DNA position 1318, C replaced by G.
Protein change: p.Gln440Glu; replaces glutamine 440 with glutamic acid.
Molecular consequence: missense variant.
Genome position (GRCh38, 1-based): chr4:127,687,736, C>G. VCF-style: chr4-127687736-C-G. GRCh37 (hg19) VCF-style: chr4-128608891-C-G.
Other names: short protein forms Q440E.
Identifiers: ClinVar variation 3286266 (VCV003286266.3).